The following is an entry in ClinVar:

ClinVar aggregate classification (germline): Uncertain significance. Review status: criteria provided, multiple submitters, no conflicts (2 of 4 stars). 2 submissions from 2 submitters: Uncertain significance (2). Last evaluated 2022-06-07.

Conditions:
Hereditary sensory neuropathy-deafness-dementia syndrome. Also called: HSN IE; Hereditary sensory neuropathy type IE; NEUROPATHY, HEREDITARY SENSORY, WITH HEARING LOSS AND DEMENTIA; Hereditary Sensory and Autonomic Neuropathy Type 1E (HSAN1E). Identifiers: Orphanet 456318, MedGen C3279885, MONDO:0013584, OMIM 614116.

Allele frequency attached by ClinVar (database versions not stated): gnomAD exomes below 0.00001; TOPMed below 0.00001; ExAC 0.00002.
gnomAD v4.1: 2 of 1,612,598 alleles (0.00012%); highest among the groups gnomAD compares: East Asian, 0.0022%; no homozygotes.

Submissions (2):

GeneDx
Classification: Uncertain significance. Last evaluated: 2022-06-07. Review status: criteria provided, single submitter. Criteria: GeneDx Variant Classification Process June 2021. Collection method: clinical testing. Allele origin: germline. Affected: yes.
Comment: In silico analysis supports a deleterious effect on splicing; Has not been previously published as pathogenic or benign to our knowledge

Labcorp Genetics (formerly Invitae), Labcorp
Classification: Uncertain significance for Hereditary sensory neuropathy-deafness-dementia syndrome. Last evaluated: 2022-05-04. Review status: criteria provided, single submitter. Criteria: Invitae Variant Classification Sherloc (09022015). Collection method: clinical testing. Allele origin: germline.
Comment: Algorithms developed to predict the effect of sequence changes on RNA splicing suggest that this variant may create or strengthen a splice site. This variant has not been reported in the literature in individuals affected with DNMT1-related conditions. The frequency data for this variant in the population databases is considered unreliable, as metrics indicate poor data quality at this position in the gnomAD database. In summary, the available evidence is currently insufficient to determine the role of this variant in disease. Therefore, it has been classified as a Variant of Uncertain Significance. This sequence change falls in intron 5 of the DNMT1 gene. It does not directly change the encoded amino acid sequence of the DNMT1 protein.

NM_001130823.3(DNMT1):c.494-4A>G

Gene: DNMT1 (DNA methyltransferase 1; minus strand). Cytogenetic location: 19p13.2.
Variant type: single nucleotide variant.
Coding change: c.494-4A>G on transcript NM_001130823.3 (MANE Select); 4 bases into the intron before coding-DNA position 494, A replaced by G.
Molecular consequence: intron variant.
Genome position (GRCh38, 1-based): chr19:10,177,371, T>C on the plus strand (A>G on the coding strand, the complement: DNMT1 is on the minus strand). VCF-style: chr19-10177371-T-C. GRCh37 (hg19) VCF-style: chr19-10288047-T-C.
Other names: c.131-4A>G (NM_001318731.2); c.446-4A>G (NM_001379.4, NM_001318730.2).
Identifiers: ClinVar variation 1803683 (VCV001803683.6), dbSNP rs771193203, ClinGen allele CA9188707.